The following is an entry in ClinVar:

ClinVar aggregate classification (germline): Uncertain significance (1 of 4 stars; one submission).

Conditions:
Familial hypercholesterolemia. Also called: Familial hypercholesterolaemia. Identifiers: MedGen C0020445, MONDO:0005439.

Submission:

Color Diagnostics, LLC DBA Color Health
Classification: Uncertain significance for Familial hypercholesterolemia. Last evaluated: 2023-12-05. Review status: criteria provided, single submitter. Criteria: ACMG Guidelines, 2015. Collection method: clinical testing. Allele origin: germline.
Comment: Variant of Uncertain Significance due to insufficient evidence: This missense variant is located in the propeptide sequence of the PCSK9 protein. Computational prediction tools and conservation analyses suggest that this variant may not impact the protein function. Computational splicing tools suggest that this variant may not impact RNA splicing. To our knowledge, functional assays have not been performed for this variant nor has this variant been reported in individuals affected with familial hypercholesterolemia in the literature. This variant is rare in the general population and has been identified in 0/277264 chromosomes by the Genome Aggregation Database (gnomAD). Available evidence is insufficient to determine the role of this variant in disease conclusively.

NM_174936.4(PCSK9):c.164C>T (p.Ala55Val)

Gene: PCSK9 (proprotein convertase subtilisin/kexin type 9; plus strand). Cytogenetic location: 1p32.3.
Variant type: single nucleotide variant.
Coding change: c.164C>T on transcript NM_174936.4 (MANE Select); coding-DNA position 164, C replaced by T.
Protein change: p.Ala55Val; replaces alanine 55 with valine.
Molecular consequence: missense variant.
Genome position (GRCh38, 1-based): chr1:55,040,001, C>T. VCF-style: chr1-55040001-C-T. GRCh37 (hg19) VCF-style: chr1-55505674-C-T.
Other names: short protein forms A55V.
Identifiers: ClinVar variation 925334 (VCV000925334.5), dbSNP rs1644586582, ClinGen allele CA340483102.